The following is an entry in ClinVar:

NM_002004.4(FDPS):c.673C>G (p.Leu225Val)

Genes: FDPS (farnesyl diphosphate synthase; plus strand), RUSC1-AS1 (RUSC1 antisense RNA 1; minus strand). Cytogenetic location: 1q22.
Variant type: single nucleotide variant.
Coding change: c.673C>G on transcript NM_002004.4 (MANE Select); coding-DNA position 673, C replaced by G.
Protein change: p.Leu225Val; replaces leucine 225 with valine.
Molecular consequence: missense variant. On other transcripts: non-coding transcript variant (2).
Genome position (GRCh38, 1-based): chr1:155,318,280, C>G. VCF-style: chr1-155318280-C-G. GRCh37 (hg19) VCF-style: chr1-155288071-C-G.
Other names: c.673C>G, p.Leu225Val (NM_001135821.2); c.475C>G, p.Leu159Val (NM_001135822.2, NM_001242824.2, NM_001378424.1 and 1 more transcripts); c.160C>G, p.Leu54Val (NM_001242825.2); short protein forms L225V, L54V, L159V.
Identifiers: ClinVar variation 3094324 (VCV003094324.2), dbSNP rs140056889, ClinGen allele CA1144705.
Genomic context (GRCh38, chr1:155,318,280, plus strand): 5'-ATCTACCGCCTGCTGAAGCTCTATTGCCGGGAGCAGCCCTATTACCTGAACCTGATCGAG[C>G]TCTTCCTGCAGGTGTATTGCAGACAGGGCCCGATGCCCAGAGGGTGCCCATGGTAGCCTT-3'
Protein context (NP_001995.1, residues 215-235): EQPYYLNLIE[Leu225Val]FLQSSYQTEI

ClinVar aggregate classification (germline): Uncertain significance (1 of 4 stars; one submission).

Allele frequency attached by ClinVar (database versions not stated): gnomAD 0.00013; gnomAD exomes 0.00001; ExAC 0.00004; ESP Exome Variant Server 0.00015; TOPMed 0.00015.

Submission:

Ambry Genetics
Classification: Uncertain significance. Last evaluated: 2026-07-13. Review status: criteria provided, single submitter. Criteria: Ambry Variant Classification Scheme 2023. Collection method: clinical testing. Allele origin: germline.
Comment: The c.673C>G (p.L225V) alteration is located in exon 6 (coding exon 5) of the FDPS gene. This alteration results from a C to G substitution at nucleotide position 673, causing the leucine (L) at amino acid position 225 to be replaced by a valine (V). Based on data from gnomAD, the G allele has an overall frequency of 0.004% (11/281018) total alleles studied. The highest observed frequency was 0.032% (8/24964) of African alleles. Based on insufficient or conflicting evidence, the clinical significance of this alteration remains unclear.